The following is an entry in ClinVar:

NM_001199397.3(NEK1):c.1928G>A (p.Arg643His)

Gene: NEK1 (NIMA related kinase 1; minus strand). Cytogenetic location: 4q33.
Variant type: single nucleotide variant.
Coding change: c.1928G>A on transcript NM_001199397.3 (MANE Select); coding-DNA position 1928, G replaced by A.
Protein change: p.Arg643His; replaces arginine 643 with histidine.
Molecular consequence: missense variant. On other transcripts: non-coding transcript variant (1), intron variant (1).
Genome position (GRCh38, 1-based): chr4:169,507,116, C>T on the plus strand (G>A on the coding strand, the complement: NEK1 is on the minus strand). VCF-style: chr4-169507116-C-T. GRCh37 (hg19) VCF-style: chr4-170428267-C-T.
Other names: c.1796G>A, p.Arg599His (NM_001199398.3); c.1637G>A, p.Arg546His (NM_001199399.3); c.1712G>A, p.Arg571His (NM_001199400.3); c.1928G>A, p.Arg643His (NM_001374418.1); c.1844G>A, p.Arg615His (NM_001374419.1, NM_012224.4); c.1793G>A, p.Arg598His (NM_001374420.1); c.1701+599G>A (NM_001374421.1); short protein forms R546H, R571H, R615H, R599H, R643H, R598H.
Identifiers: ClinVar variation 2519473 (VCV002519473.3), dbSNP rs776789588, ClinGen allele CA3137564.

ClinVar aggregate classification (germline): Uncertain significance. Review status: criteria provided, multiple submitters, no conflicts (2 of 4 stars). 2 submissions from 2 submitters: Uncertain significance (2). Last evaluated 2025-04-28.

Conditions:
Inborn genetic diseases. Identifiers: MedGen C0950123, MeSH D030342.
Short-rib thoracic dysplasia 6 with or without polydactyly (SRTD6). Also called: POLYDACTYLY WITH NEONATAL CHONDRODYSTROPHY, TYPE II; SHORT-RIB THORACIC DYSPLASIA 6 WITH POLYDACTYLY; SHORT-RIB THORACIC DYSPLASIA 6 WITHOUT POLYDACTYLY; SHORT RIB-POLYDACTYLY SYNDROME, TYPE IIA; Majewski Syndrome. Identifiers: MedGen C0024507, MONDO:0009894, OMIM 263520.

Allele frequency attached by ClinVar (database versions not stated): gnomAD 0.00002; TOPMed 0.00002; ExAC 0.00004.
gnomAD v4.1: 57 of 1,597,392 alleles (0.0036%); highest among the groups gnomAD compares: East Asian, 0.025%; no homozygotes.

Submissions (2):

Labcorp Genetics (formerly Invitae), Labcorp
Classification: Uncertain significance for Short-rib thoracic dysplasia 6 with or without polydactyly. Last evaluated: 2025-04-28. Review status: criteria provided, single submitter. Criteria: Invitae Variant Classification Sherloc (09022015). Collection method: clinical testing. Allele origin: germline.
Comment: This sequence change replaces arginine, which is basic and polar, with histidine, which is basic and polar, at codon 615 of the NEK1 protein (p.Arg615His). This variant is present in population databases (rs776789588, gnomAD 0.04%). This variant has not been reported in the literature in individuals affected with NEK1-related conditions. ClinVar contains an entry for this variant (Variation ID: 2519473). Invitae Evidence Modeling of protein sequence and biophysical properties (such as structural, functional, and spatial information, amino acid conservation, physicochemical variation, residue mobility, and thermodynamic stability) indicates that this missense variant is not expected to disrupt NEK1 protein function with a negative predictive value of 80%. In summary, the available evidence is currently insufficient to determine the role of this variant in disease. Therefore, it has been classified as a Variant of Uncertain Significance.

Ambry Genetics
Classification: Uncertain significance for Inborn genetic diseases. Last evaluated: 2023-05-30. Review status: criteria provided, single submitter. Criteria: Ambry Variant Classification Scheme 2023. Collection method: clinical testing. Allele origin: germline.